The following is an entry in ClinVar:

NM_004565.3(PEX14):c.22G>C (p.Glu8Gln)

Gene: PEX14 (peroxisomal biogenesis factor 14; plus strand). Cytogenetic location: 1p36.22.
Variant type: single nucleotide variant.
Coding change: c.22G>C on transcript NM_004565.3 (MANE Select); coding-DNA position 22, G replaced by C.
Protein change: p.Glu8Gln; replaces glutamic acid 8 with glutamine.
Molecular consequence: missense variant.
Genome position (GRCh38, 1-based): chr1:10,474,988, G>C. VCF-style: chr1-10474988-G-C. GRCh37 (hg19) VCF-style: chr1-10535045-G-C.
Other names: short protein forms E8Q.
Identifiers: ClinVar variation 1477064 (VCV001477064.8), dbSNP rs2124356750, ClinGen allele CA338357160.

ClinVar aggregate classification (germline): Uncertain significance (1 of 4 stars; one submission).

Conditions:
Peroxisome biogenesis disorder, complementation group K (CGK). Identifiers: MedGen C1866257, MONDO:0800365.

Submission:

Labcorp Genetics (formerly Invitae), Labcorp
Classification: Uncertain significance for Peroxisome biogenesis disorder, complementation group K. Last evaluated: 2022-04-13. Review status: criteria provided, single submitter. Criteria: Invitae Variant Classification Sherloc (09022015). Collection method: clinical testing. Allele origin: germline.
Comment: This variant has not been reported in the literature in individuals affected with PEX14-related conditions. In summary, the available evidence is currently insufficient to determine the role of this variant in disease. Therefore, it has been classified as a Variant of Uncertain Significance. Algorithms developed to predict the effect of missense changes on protein structure and function are either unavailable or do not agree on the potential impact of this missense change (SIFT: "Tolerated"; PolyPhen-2: "Not Available"; Align-GVGD: "Class C0"). This variant is not present in population databases (gnomAD no frequency). This sequence change replaces glutamic acid, which is acidic and polar, with glutamine, which is neutral and polar, at codon 8 of the PEX14 protein (p.Glu8Gln).